The following is an entry in ClinVar:

ClinVar aggregate classification (germline): Uncertain significance (1 of 4 stars; one submission).

Submission:

GeneDx
Classification: Uncertain significance. Last evaluated: 2024-10-15. Review status: criteria provided, single submitter. Criteria: GeneDx Variant Classification Process June 2021. Collection method: clinical testing. Allele origin: germline. Affected: yes.
Comment: Not observed at significant frequency in large population cohorts (gnomAD); In silico analysis indicates that this missense variant does not alter protein structure/function; Has not been previously published as pathogenic or benign to our knowledge.

NM_006885.4(ZFHX3):c.253T>C (p.Ser85Pro)

Gene: ZFHX3 (zinc finger homeobox 3; minus strand). Cytogenetic location: 16q22.3.
Variant type: single nucleotide variant.
Coding change: c.253T>C on transcript NM_006885.4 (MANE Select); coding-DNA position 253, T replaced by C.
Protein change: p.Ser85Pro; replaces serine 85 with proline.
Molecular consequence: missense variant. On other transcripts: intron variant (1).
Genome position (GRCh38, 1-based): chr16:72,959,893, A>G on the plus strand (T>C on the coding strand, the complement: ZFHX3 is on the minus strand). VCF-style: chr16-72959893-A-G. GRCh37 (hg19) VCF-style: chr16-72993792-A-G.
Other names: c.253T>C, p.Ser85Pro (NM_001386735.1); c.-23-8928T>C (NM_001164766.2); short protein forms S85P.
Identifiers: ClinVar variation 3781112 (VCV003781112.1).